The following is an entry in ClinVar:

NM_001354768.3(NRL):c.399C>T (p.Ser133=)

Gene: NRL (neural retina leucine zipper; minus strand). Cytogenetic location: 14q11.2.
Variant type: single nucleotide variant.
Coding change: c.399C>T on transcript NM_001354768.3 (MANE Select); coding-DNA position 399, C replaced by T.
Protein change: p.Ser133=; no amino-acid change (serine 133 retained).
Molecular consequence: synonymous variant.
Genome position (GRCh38, 1-based): chr14:24,081,551, G>A on the plus strand (C>T on the coding strand, the complement: NRL is on the minus strand). VCF-style: chr14-24081551-G-A. GRCh37 (hg19) VCF-style: chr14-24550760-G-A.
Other names: c.399C>T, p.Ser133= (NM_001354769.1, NM_006177.5); c.84C>T, p.Ser28= (NM_001354770.2).
Identifiers: ClinVar variation 713521 (VCV000713521.40), dbSNP rs199590171, ClinGen allele CA7122842.
Genomic context (GRCh38, chr14:24,081,551, plus strand): 5'-CCCGCAGCCCCGCAGCTGCCGGTTTAGCTCCCGCACAGACATCGAGACCAGCGCCGCGTC[G>A]GAAAACCGCTCTGCCAGCTGCGGAGGGAGAATGCAGAAACCGGGTCAGCGCCAGGTCGCA-3'
Protein context (NP_001341697.1, residues 123-143): AQHVQLAERF[Ser133=]DAALVSMSVR

ClinVar aggregate classification (germline): Benign/Likely benign. Review status: criteria provided, multiple submitters, no conflicts (2 of 4 stars). 8 submissions from 8 submitters: Benign (1); Likely benign (5). 2 of the submissions do not count toward it. Last evaluated 2026-02-02.

Conditions:
NRL-related disorder. Also called: NRL-related condition.
Retinitis pigmentosa (RP). Identifiers: Orphanet 791, MedGen C0035334, MeSH D012174, MONDO:0019200, OMIM 268000. Inheritance: Autosomal dominant, autosomal recessive and X linked inheritance.

Allele frequency attached by ClinVar (database versions not stated): ESP Exome Variant Server 0.00027; gnomAD exomes 0.00070 and 0.00082; gnomAD 0.00080 and 0.00082; 1000 Genomes Project 0.00100; ExAC 0.00108; TOPMed 0.00118; 1000 Genomes Project 30x 0.00125.
gnomAD v4.1: 1,149 of 1,600,772 alleles (0.072%); highest among the groups gnomAD compares: Admixed American, 0.3%; 2 homozygotes.

Submissions (8):

Labcorp Genetics (formerly Invitae), Labcorp
Classification: Benign. Last evaluated: 2026-02-02. Review status: criteria provided, single submitter. Criteria: Invitae Variant Classification Sherloc (09022015). Collection method: clinical testing. Allele origin: germline.

Blueprint Genetics
Classification: Likely benign. Last evaluated: 2024-11-21. Review status: criteria provided, single submitter. Criteria: ACMG Guidelines, 2015. Collection method: clinical testing. Allele origin: germline.

PreventionGenetics, part of Exact Sciences
Classification: Likely benign for NRL-related condition. Last evaluated: 2024-10-13. Review status: criteria provided, single submitter. Criteria: ACMG Guidelines, 2015. Collection method: clinical testing. Allele origin: germline.
Comment: This variant is classified as likely benign based on ACMG/AMP sequence variant interpretation guidelines (Richards et al. 2015 PMID: 25741868, with internal and published modifications).

CeGaT Center for Human Genetics Tuebingen
Classification: Likely benign. Last evaluated: 2024-03-01. Review status: criteria provided, single submitter. Criteria: CeGaT Center For Human Genetics Tuebingen Variant Classification Criteria Version 2. Collection method: clinical testing. Allele origin: germline. Affected: yes. Observed: 1 variant allele.
Comment: NRL: BP4, BP7

Illumina Laboratory Services, Illumina
Classification: Likely benign for Retinitis pigmentosa. Last evaluated: 2017-04-27. Review status: criteria provided, single submitter. Criteria: ICSL Variant Classification Criteria 13 December 2019. Collection method: clinical testing. Allele origin: germline.
Comment: This variant was observed as part of a predisposition screen in an ostensibly healthy population. A literature search was performed for the gene, cDNA change, and amino acid change (where applicable). No publications were found based on this search. Allele frequency data from public databases allowed determination this variant is unlikely to cause disease. Therefore, this variant is classified as likely benign.

Breakthrough Genomics
Classification: Likely benign. Review status: criteria provided, single submitter. Criteria: ACMG Guidelines, 2015. Collection method: not provided. Allele origin: germline. Inheritance: Autosomal dominant inheritance. Affected: yes.

Clinical Genetics DNA and cytogenetics Diagnostics Lab, Erasmus MC, Erasmus Medical Center
Classification: Likely benign. Review status: no assertion criteria provided. Collection method: clinical testing. Allele origin: germline. Affected: yes. Study: VKGL Data-share Consensus. Not counted in ClinVar's aggregate classification.

Clinical Genetics, Academic Medical Center
Classification: Likely benign. Review status: no assertion criteria provided. Collection method: clinical testing. Allele origin: germline. Affected: yes. Study: VKGL Data-share Consensus. Not counted in ClinVar's aggregate classification.